The following is an entry in ClinVar:

ClinVar aggregate classification (germline): Uncertain significance (1 of 4 stars; one submission).

Conditions:
Spastic paraplegia. Identifiers: MedGen C0037772, HP:0001258.

Allele frequency attached by ClinVar (database versions not stated): gnomAD exomes 0.00001.

Submission:

Labcorp Genetics (formerly Invitae), Labcorp
Classification: Uncertain significance for Spastic paraplegia. Last evaluated: 2021-12-02. Review status: criteria provided, single submitter. Criteria: Invitae Variant Classification Sherloc (09022015). Collection method: clinical testing. Allele origin: germline.
Comment: Advanced modeling of protein sequence and biophysical properties (such as structural, functional, and spatial information, amino acid conservation, physicochemical variation, residue mobility, and thermodynamic stability) performed at Invitae indicates that this missense variant is not expected to disrupt FA2H protein function. In summary, the available evidence is currently insufficient to determine the role of this variant in disease. Therefore, it has been classified as a Variant of Uncertain Significance. This variant has not been reported in the literature in individuals affected with FA2H-related conditions. This variant is present in population databases (no rsID available, gnomAD 0.006%). This sequence change replaces lysine, which is basic and polar, with arginine, which is basic and polar, at codon 212 of the FA2H protein (p.Lys212Arg).

NM_024306.5(FA2H):c.635A>G (p.Lys212Arg)

Gene: FA2H (fatty acid 2-hydroxylase; minus strand). Cytogenetic location: 16q23.1.
Variant type: single nucleotide variant.
Coding change: c.635A>G on transcript NM_024306.5 (MANE Select); coding-DNA position 635, A replaced by G.
Protein change: p.Lys212Arg; replaces lysine 212 with arginine.
Molecular consequence: missense variant.
Genome position (GRCh38, 1-based): chr16:74,719,139, T>C on the plus strand (A>G on the coding strand, the complement: FA2H is on the minus strand). VCF-style: chr16-74719139-T-C. GRCh37 (hg19) VCF-style: chr16-74753037-T-C.
Other names: short protein forms K212R.
Identifiers: ClinVar variation 1496350 (VCV001496350.6), dbSNP rs759577964, ClinGen allele CA396769689.